The following is an entry in ClinVar:

NM_001079802.2(FKTN):c.80A>G (p.Tyr27Cys)

Gene: FKTN (fukutin; plus strand). Cytogenetic location: 9q31.2.
Variant type: single nucleotide variant.
Coding change: c.80A>G on transcript NM_001079802.2 (MANE Select); coding-DNA position 80, A replaced by G.
Protein change: p.Tyr27Cys; replaces tyrosine 27 with cysteine.
Molecular consequence: missense variant. On other transcripts: 5 prime UTR variant (5), non-coding transcript variant (2).
Genome position (GRCh38, 1-based): chr9:105,575,112, A>G. VCF-style: chr9-105575112-A-G. GRCh37 (hg19) VCF-style: chr9-108337393-A-G.
Other names: c.80A>G, p.Tyr27Cys (NM_001198963.2, NM_001351496.2, NM_001351498.2 and 1 more transcripts); c.-88A>G (NM_001351497.2); c.-435A>G (NM_001351499.2, NM_001351500.2, NM_001351501.2 and 1 more transcripts); short protein forms Y27C.
Identifiers: ClinVar variation 3232625 (VCV003232625.1), dbSNP rs2538818285, ClinGen allele CA374330948.

ClinVar aggregate classification (germline): Uncertain significance (1 of 4 stars; one submission).

Conditions:
Cardiovascular phenotype. Identifiers: MedGen CN230736.

Allele frequency attached by ClinVar (database versions not stated): gnomAD exomes below 0.00001.
gnomAD v4.1: 2 of 1,598,990 alleles (0.00013%); highest among the groups gnomAD compares: Non-Finnish European, 0.000086%; no homozygotes.

Submission:

Ambry Genetics
Classification: Uncertain significance for Cardiovascular phenotype. Last evaluated: 2023-09-28. Review status: criteria provided, single submitter. Criteria: Ambry Variant Classification Scheme 2023. Collection method: clinical testing. Allele origin: germline.
Comment: The p.Y27C variant (also known as c.80A>G), located in coding exon 1 of the FKTN gene, results from an A to G substitution at nucleotide position 80. The tyrosine at codon 27 is replaced by cysteine, an amino acid with highly dissimilar properties. This amino acid position is conserved. In addition, this alteration is predicted to be deleterious by in silico analysis. Since supporting evidence is limited at this time, the clinical significance of this alteration remains unclear.